The following is an entry in ClinVar:

NM_002439.5(MSH3):c.1324del (p.Arg442fs)

Gene: MSH3 (mutS homolog 3; plus strand). Cytogenetic location: 5q14.1.
Variant type: Deletion.
Coding change: c.1324del on transcript NM_002439.5 (MANE Select); coding-DNA position 1324, one base deleted (A; older notation c.1324delA).
Protein change: p.Arg442fs; shifts the reading frame from arginine 442.
Molecular consequence: frameshift variant.
Genome position (GRCh38, 1-based): chr5:80,679,077, A deleted. VCF-style (leftmost placement, unchanged base first): chr5-80679076-CA-C. GRCh37 (hg19) VCF-style: chr5-79974895-CA-C.
Other names: short protein forms R442fs.
Identifiers: ClinVar variation 2565630 (VCV002565630.2), dbSNP rs2546726709, ClinGen allele CA2580613593.

ClinVar aggregate classification (germline): Pathogenic (1 of 4 stars; one submission).

Conditions:
Hereditary cancer-predisposing syndrome. Also called: Neoplastic Syndromes, Hereditary; Hereditary Cancer Syndrome; Hereditary neoplastic syndrome; Tumor predisposition. Identifiers: Orphanet 140162, MedGen C0027672, MeSH D009386, MONDO:0015356.

Submission:

Ambry Genetics
Classification: Pathogenic for Hereditary cancer-predisposing syndrome. Last evaluated: 2023-03-20. Review status: criteria provided, single submitter. Criteria: Ambry Variant Classification Scheme 2023. Collection method: clinical testing. Allele origin: germline.
Comment: The c.1324delA pathogenic mutation, located in coding exon 8 of the MSH3 gene, results from a deletion of one nucleotide at nucleotide position 1324, causing a translational frameshift with a predicted alternate stop codon (p.R442Efs*54). This variant is considered to be rare based on population cohorts in the Genome Aggregation Database (gnomAD). This alteration is expected to result in loss of function by premature protein truncation or nonsense-mediated mRNA decay. As such, this alteration is interpreted as a disease-causing mutation.